The following is an entry in ClinVar:

ClinVar aggregate classification (germline): Pathogenic/Likely pathogenic. Review status: criteria provided, multiple submitters, no conflicts (2 of 4 stars). 2 submissions from 2 submitters: Pathogenic (1); Likely pathogenic (1). Last evaluated 2024-07-13.

Conditions:
Hyperkalemic periodic paralysis. Also called: Familial hyperkalemic periodic paralysis; Gamstorp disease. Identifiers: Orphanet 682, MedGen C0238357, MONDO:0008224, OMIM 170500, HP:0007215.

Submissions (2):

Labcorp Genetics (formerly Invitae), Labcorp
Classification: Pathogenic for Hyperkalemic periodic paralysis. Last evaluated: 2024-07-13. Review status: criteria provided, single submitter. Criteria: Invitae Variant Classification Sherloc (09022015). Collection method: clinical testing. Allele origin: germline.
Comment: This sequence change replaces proline, which is neutral and non-polar, with alanine, which is neutral and non-polar, at codon 1158 of the SCN4A protein (p.Pro1158Ala). This variant is not present in population databases (gnomAD no frequency). This missense change has been observed in individuals with clinical features of autosomal dominant myotonia congenita (PMID: 29451154; Invitae). Advanced modeling of protein sequence and biophysical properties (such as structural, functional, and spatial information, amino acid conservation, physicochemical variation, residue mobility, and thermodynamic stability) performed at Invitae indicates that this missense variant is expected to disrupt SCN4A protein function with a positive predictive value of 95%. This variant disrupts the p.Pro1158 amino acid residue in SCN4A. Other variant(s) that disrupt this residue have been determined to be pathogenic (PMID: 10851391, 14557559, 17898326, 21221019). This suggests that this residue is clinically significant, and that variants that disrupt this residue are likely to be disease-causing. For these reasons, this variant has been classified as Pathogenic.

GeneDx
Classification: Likely pathogenic. Last evaluated: 2024-07-12. Review status: criteria provided, single submitter. Criteria: GeneDx Variant Classification Process June 2021. Collection method: clinical testing. Allele origin: germline. Affected: yes.
Comment: In silico analysis supports that this missense variant has a deleterious effect on protein structure/function; Not observed at significant frequency in large population cohorts (gnomAD); This variant is associated with the following publications: (PMID: 29451154)

Literature cited by the submitters: PubMed 29451154 (cited by Labcorp Genetics (formerly Invitae), Labcorp); PubMed 10851391 (cited by Labcorp Genetics (formerly Invitae), Labcorp); PubMed 14557559 (cited by Labcorp Genetics (formerly Invitae), Labcorp); PubMed 17898326 (cited by Labcorp Genetics (formerly Invitae), Labcorp); PubMed 21221019 (cited by Labcorp Genetics (formerly Invitae), Labcorp).

NM_000334.4(SCN4A):c.3472C>G (p.Pro1158Ala)

Genes: GH-LCR (growth hormone locus control region; plus strand), SCN4A (sodium voltage-gated channel alpha subunit 4; minus strand). Cytogenetic location: 17q23.3.
Variant type: single nucleotide variant.
Coding change: c.3472C>G on transcript NM_000334.4 (MANE Select); coding-DNA position 3472, C replaced by G.
Protein change: p.Pro1158Ala; replaces proline 1158 with alanine.
Molecular consequence: missense variant.
Genome position (GRCh38, 1-based): chr17:63,945,608, G>C on the plus strand (C>G on the coding strand, the complement: SCN4A is on the minus strand). VCF-style: chr17-63945608-G-C. GRCh37 (hg19) VCF-style: chr17-62022968-G-C.
Other names: short protein forms P1158A.
Identifiers: ClinVar variation 3572476 (VCV003572476.3).